The following is an entry in ClinVar:

NM_001291303.3(FAT4):c.5760T>C (p.Asp1920=)

Gene: FAT4 (FAT atypical cadherin 4; plus strand). Cytogenetic location: 4q28.1.
Variant type: single nucleotide variant.
Coding change: c.5760T>C on transcript NM_001291303.3 (MANE Select); coding-DNA position 5760, T replaced by C.
Protein change: p.Asp1920=; no amino-acid change (aspartic acid 1920 retained).
Molecular consequence: synonymous variant.
Genome position (GRCh38, 1-based): chr4:125,408,634, T>C. VCF-style: chr4-125408634-T-C. GRCh37 (hg19) VCF-style: chr4-126329789-T-C.
Other names: p.Asp1920=; c.5760T>C, p.Asp1920= (NM_001291285.3, NM_024582.6).
Identifiers: ClinVar variation 380250 (VCV000380250.19), dbSNP rs958415, ClinGen allele CA3072788.
Genomic context (GRCh38, chr4:125,408,634, plus strand): 5'-GACTCGATTATTAGATTATGAAGTACAGCAATATTATATCCTCACTGTTCGAGCAGAAGA[T>C]GGTGGGGGACAATTTACTACCATCAGAGTTTATTTCAATATTCTAGATGTAAATGATAAT-3'
Protein context (NP_001278232.1, residues 1910-1930): QYYILTVRAE[Asp1920=]GGGQFTTIRV

ClinVar aggregate classification (germline): Benign. Review status: criteria provided, multiple submitters, no conflicts (2 of 4 stars). 11 submissions from 10 submitters: Benign (8). 3 of the submissions do not count toward it. Last evaluated 2026-02-04.

Conditions:
Van Maldergem syndrome 2 (VMLDS2). Identifiers: Orphanet 314679, MedGen C3809875, MONDO:0014242, OMIM 615546.
Hennekam lymphangiectasia-lymphedema syndrome 2 (HKLLS2). Identifiers: Orphanet 2136, MedGen C4014939, MONDO:0014454, OMIM 616006.

Allele frequency attached by ClinVar (database versions not stated): 1000 Genomes Project 30x 0.98517; 1000 Genomes Project 0.98842; TOPMed 0.98902; gnomAD 0.99029 and 0.99071; ESP Exome Variant Server 0.99054; ExAC 0.99658; gnomAD exomes 0.99664 and 0.99835.
gnomAD v4.1: 1,608,114 of 1,612,062 alleles (100%); highest among the groups gnomAD compares: East Asian, 100%; 802,128 homozygotes.

Submissions (11):

Labcorp Genetics (formerly Invitae), Labcorp
Classification: Benign. Last evaluated: 2026-02-04. Review status: criteria provided, single submitter. Criteria: Invitae Variant Classification Sherloc (09022015). Collection method: clinical testing. Allele origin: germline.

Blueprint Genetics
Classification: Benign. Last evaluated: 2024-11-26. Review status: criteria provided, single submitter. Criteria: ACMG Guidelines, 2015. Collection method: clinical testing. Allele origin: germline.

Unidad de Genómica Garrahan, Hospital de Pediatría Garrahan
Classification: Benign. Last evaluated: 2024-01-24. Review status: criteria provided, single submitter. Criteria: ACMG Guidelines, 2015. Collection method: clinical testing. Allele origin: germline. Affected: no. Observed: 95 variant alleles.
Comment: This variant is classified as Benign based on local population frequency. This variant was detected in 100% of patients studied by a panel of primary immunodeficiencies. Number of patients: 95. Only high quality variants are reported.

Genome-Nilou Lab
Classification: Benign for Hennekam lymphangiectasia-lymphedema syndrome 2. Last evaluated: 2021-08-10. Review status: criteria provided, single submitter. Criteria: ACMG Guidelines, 2015. Collection method: clinical testing. Allele origin: germline. Affected: no.

Genome-Nilou Lab
Classification: Benign for Van Maldergem syndrome 2. Last evaluated: 2021-08-10. Review status: criteria provided, single submitter. Criteria: ACMG Guidelines, 2015. Collection method: clinical testing. Allele origin: germline. Affected: no.

Mayo Clinic Laboratories, Mayo Clinic
Classification: Benign. Last evaluated: 2021-04-07. Review status: criteria provided, single submitter. Criteria: ACMG Guidelines, 2015. Collection method: clinical testing. Allele origin: germline. Observed: 3 variant alleles.

GeneDx
Classification: Benign. Last evaluated: 2016-01-08. Review status: criteria provided, single submitter. Criteria: GeneDx Variant Classification (06012015). Collection method: clinical testing. Allele origin: germline. Affected: yes.
Comment: This variant is considered likely benign or benign based on one or more of the following criteria: it is a conservative change, it occurs at a poorly conserved position in the protein, it is predicted to be benign by multiple in silico algorithms, and/or has population frequency not consistent with disease.

Breakthrough Genomics
Classification: Benign. Review status: criteria provided, single submitter. Criteria: ACMG Guidelines, 2015. Collection method: not provided. Allele origin: germline. Inheritance: Autosomal recessive inheritance. Affected: yes.

Clinical Genetics DNA and cytogenetics Diagnostics Lab, Erasmus MC, Erasmus Medical Center
Classification: Benign. Review status: no assertion criteria provided. Collection method: clinical testing. Allele origin: germline. Affected: yes. Study: VKGL Data-share Consensus. Not counted in ClinVar's aggregate classification.

Clinical Genetics, Academic Medical Center
Classification: Benign. Review status: no assertion criteria provided. Collection method: clinical testing. Allele origin: germline. Affected: yes. Study: VKGL Data-share Consensus. Not counted in ClinVar's aggregate classification.

Joint Genome Diagnostic Labs from Nijmegen and Maastricht, Radboudumc and MUMC+
Classification: Benign. Review status: no assertion criteria provided. Collection method: clinical testing. Allele origin: germline. Affected: yes. Study: VKGL Data-share Consensus. Not counted in ClinVar's aggregate classification.